The following is an entry in ClinVar:

NM_001458.5(FLNC):c.7832T>G (p.Val2611Gly)

Genes: FLNC (filamin C; plus strand), FLNC-AS1 (FLNC antisense RNA 1; minus strand). Cytogenetic location: 7q32.1.
Variant type: single nucleotide variant.
Coding change: c.7832T>G on transcript NM_001458.5 (MANE Select); coding-DNA position 7832, T replaced by G.
Protein change: p.Val2611Gly; replaces valine 2611 with glycine.
Molecular consequence: missense variant.
Genome position (GRCh38, 1-based): chr7:128,858,059, T>G. VCF-style: chr7-128858059-T-G. GRCh37 (hg19) VCF-style: chr7-128498113-T-G.
Other names: c.7832T>G (NM_001458.4); c.7733T>G, p.Val2578Gly (NM_001127487.2); short protein forms V2578G, V2611G.
Identifiers: ClinVar variation 1057285 (VCV001057285.10), dbSNP rs2128940575, ClinGen allele CA369220119.

ClinVar aggregate classification (germline): Uncertain significance. Review status: criteria provided, multiple submitters, no conflicts (2 of 4 stars). 2 submissions from 2 submitters: Uncertain significance (2). Last evaluated 2026-08-27.

Conditions:
Cardiovascular phenotype. Identifiers: MedGen CN230736.
Myofibrillar myopathy 5. Also called: Filaminopathy (type); FILAMINOPATHY, AUTOSOMAL DOMINANT. Identifiers: Orphanet 171445, MedGen C1836050, MONDO:0012289, OMIM 609524.
Distal myopathy with posterior leg and anterior hand involvement. Also called: WILLIAMS DISTAL MYOPATHY. Identifiers: Orphanet 63273, MedGen C3279722, MONDO:0013550, OMIM 614065.
Hypertrophic cardiomyopathy 26. Also called: Cardiomyopathy, familial hypertrophic, 26. Identifiers: Orphanet 75249, MedGen C4310749, MONDO:0014883, OMIM 617047.

Allele frequency attached by ClinVar (database versions not stated): gnomAD exomes 0.00001.
gnomAD v4.1: 5 of 1,610,396 alleles (0.00031%); highest among the groups gnomAD compares: Non-Finnish European, 0.00042%; no homozygotes.

Submissions (2):

Ambry Genetics
Classification: Uncertain significance for Cardiovascular phenotype. Last evaluated: 2026-08-27. Review status: criteria provided, single submitter. Criteria: Ambry Variant Classification Scheme 2023. Collection method: clinical testing. Allele origin: germline.

Labcorp Genetics (formerly Invitae), Labcorp
Classification: Uncertain significance for Distal myopathy with posterior leg and anterior hand involvement; Myofibrillar myopathy 5; Hypertrophic cardiomyopathy 26. Last evaluated: 2020-08-01. Review status: criteria provided, single submitter. Criteria: Invitae Variant Classification Sherloc (09022015). Collection method: clinical testing. Allele origin: germline.
Comment: In summary, the available evidence is currently insufficient to determine the role of this variant in disease. Therefore, it has been classified as a Variant of Uncertain Significance. Algorithms developed to predict the effect of missense changes on protein structure and function are either unavailable or do not agree on the potential impact of this missense change (SIFT: "Deleterious"; PolyPhen-2: "Possibly Damaging"; Align-GVGD: "Class C0"). This variant has not been reported in the literature in individuals with FLNC-related conditions. This variant is not present in population databases (ExAC no frequency). This sequence change replaces valine with glycine at codon 2611 of the FLNC protein (p.Val2611Gly). The valine residue is highly conserved and there is a moderate physicochemical difference between valine and glycine.